The following is an entry in ClinVar:

ClinVar aggregate classification (germline): Uncertain significance. Review status: criteria provided, multiple submitters, no conflicts (2 of 4 stars). 3 submissions from 3 submitters: Uncertain significance (3). Last evaluated 2025-10-08.

Conditions:
Neuropathy, hereditary sensory and autonomic, type 2A (HSAN2A). Also called: NEUROPATHY, HEREDITARY SENSORY RADICULAR, AUTOSOMAL RECESSIVE; NEUROPATHY, HEREDITARY SENSORY, TYPE IIA; NEUROPATHY, PROGRESSIVE SENSORY, OF CHILDREN; WNK1-Related HSAN2 (HSAN2A); HSAN IIA; ACROOSTEOLYSIS, GIACCAI TYPE. Identifiers: Orphanet 970, MedGen C2752089, MONDO:0024309, OMIM 201300.
Pseudohypoaldosteronism type 2C (PHA2C). Also called: Pseudohypoaldosteronism Type IIC. Identifiers: Orphanet 757, Orphanet 88940, MedGen C1840391, MONDO:0013778, OMIM 614492.
Inborn genetic diseases. Identifiers: MedGen C0950123, MeSH D030342.

Allele frequency attached by ClinVar (database versions not stated): gnomAD exomes 0.00003; TOPMed 0.00005; gnomAD 0.00003; ExAC 0.00003.
gnomAD v4.1: 21 of 1,609,386 alleles (0.0013%); highest among the groups gnomAD compares: Non-Finnish European, 0.00042%; no homozygotes.

Submissions (3):

Labcorp Genetics (formerly Invitae), Labcorp
Classification: Uncertain significance for Neuropathy, hereditary sensory and autonomic, type 2A; Pseudohypoaldosteronism type 2C. Last evaluated: 2025-10-08. Review status: criteria provided, single submitter. Criteria: Invitae Variant Classification Sherloc (09022015). Collection method: clinical testing. Allele origin: germline.
Comment: This sequence change replaces alanine, which is neutral and non-polar, with valine, which is neutral and non-polar, at codon 944 of the WNK1 protein (p.Ala944Val). This variant is present in population databases (rs780984459, gnomAD 0.05%). This variant has not been reported in the literature in individuals affected with WNK1-related conditions. ClinVar contains an entry for this variant (Variation ID: 856872). Invitae Evidence Modeling of protein sequence and biophysical properties (such as structural, functional, and spatial information, amino acid conservation, physicochemical variation, residue mobility, and thermodynamic stability) indicates that this missense variant is not expected to disrupt WNK1 protein function with a negative predictive value of 95%. In summary, the available evidence is currently insufficient to determine the role of this variant in disease. Therefore, it has been classified as a Variant of Uncertain Significance.

GeneDx
Classification: Uncertain significance. Last evaluated: 2024-04-01. Review status: criteria provided, single submitter. Criteria: GeneDx Variant Classification Process June 2021. Collection method: clinical testing. Allele origin: germline.
Comment: In silico analysis supports that this missense variant does not alter protein structure/function; Has not been previously published as pathogenic or benign to our knowledge

Ambry Genetics
Classification: Uncertain significance for Inborn genetic diseases. Last evaluated: 2021-04-16. Review status: criteria provided, single submitter. Criteria: Ambry Variant Classification Scheme 2023. Collection method: clinical testing. Allele origin: germline.
Comment: The p.A944V variant (also known as c.2831C>T), located in coding exon 10 of the WNK1 gene, results from a C to T substitution at nucleotide position 2831. The alanine at codon 944 is replaced by valine, an amino acid with similar properties. This amino acid position is not well conserved in available vertebrate species. In addition, this alteration is predicted to be tolerated by in silico analysis. Since supporting evidence is limited at this time, the clinical significance of this alteration remains unclear.

NM_213655.5(WNK1):c.2831C>T (p.Ala944Val)

Gene: WNK1 (WNK lysine deficient protein kinase 1; plus strand). Cytogenetic location: 12p13.33.
Variant type: single nucleotide variant.
Coding change: c.2831C>T on transcript NM_213655.5 (MANE Plus Clinical); coding-DNA position 2831, C replaced by T.
Protein change: p.Ala944Val; replaces alanine 944 with valine.
Molecular consequence: missense variant. On other transcripts: intron variant (2).
Genome position (GRCh38, 1-based): chr12:868,302, C>T. VCF-style: chr12-868302-C-T. GRCh37 (hg19) VCF-style: chr12-977468-C-T.
Other names: c.2576C>T, p.Ala859Val (NM_001184985.2); c.2140-2963C>T (NM_018979.4, NM_014823.3); short protein forms A859V, A944V.
Identifiers: ClinVar variation 856872 (VCV000856872.11), dbSNP rs780984459, ClinGen allele CA6382245.